The following is an entry in ClinVar:

NM_000430.4(PAFAH1B1):c.987G>A (p.Met329Ile)

Gene: PAFAH1B1 (platelet activating factor acetylhydrolase 1b regulatory subunit 1; plus strand). Cytogenetic location: 17p13.3.
Variant type: single nucleotide variant.
Coding change: c.987G>A on transcript NM_000430.4 (MANE Select); coding-DNA position 987, G replaced by A.
Protein change: p.Met329Ile; replaces methionine 329 with isoleucine.
Molecular consequence: missense variant.
Genome position (GRCh38, 1-based): chr17:2,676,591, G>A. VCF-style: chr17-2676591-G-A. GRCh37 (hg19) VCF-style: chr17-2579885-G-A.
Other names: short protein forms M329I.
Identifiers: ClinVar variation 1496672 (VCV001496672.8), dbSNP rs1194042667, ClinGen allele CA397642314.

ClinVar aggregate classification (germline): Uncertain significance (1 of 4 stars; one submission).

Allele frequency attached by ClinVar (database versions not stated): gnomAD 0.00001; TOPMed 0.00001.

Submission:

Labcorp Genetics (formerly Invitae), Labcorp
Classification: Uncertain significance. Last evaluated: 2022-02-05. Review status: criteria provided, single submitter. Criteria: Invitae Variant Classification Sherloc (09022015). Collection method: clinical testing. Allele origin: germline.
Comment: Algorithms developed to predict the effect of missense changes on protein structure and function (SIFT, PolyPhen-2, Align-GVGD) all suggest that this variant is likely to be tolerated. In summary, the available evidence is currently insufficient to determine the role of this variant in disease. Therefore, it has been classified as a Variant of Uncertain Significance. This variant has not been reported in the literature in individuals affected with PAFAH1B1-related conditions. The frequency data for this variant in the population databases is considered unreliable, as metrics indicate poor data quality at this position in the gnomAD database. This sequence change replaces methionine, which is neutral and non-polar, with isoleucine, which is neutral and non-polar, at codon 329 of the PAFAH1B1 protein (p.Met329Ile).